The following is an entry in ClinVar:

ClinVar aggregate classification (germline): Uncertain significance (1 of 4 stars; one submission).

Submission:

GeneDx
Classification: Uncertain significance. Last evaluated: 2022-02-24. Review status: criteria provided, single submitter. Criteria: GeneDx Variant Classification Process June 2021. Collection method: clinical testing. Allele origin: germline. Affected: yes.
Comment: Not observed at significant frequency in large population cohorts (gnomAD); In silico analysis supports that this missense variant does not alter protein structure/function; Has not been previously published as pathogenic or benign to our knowledge

NM_000141.5(FGFR2):c.1173G>A (p.Met391Ile)

Gene: FGFR2 (fibroblast growth factor receptor 2; minus strand). Cytogenetic location: 10q26.13.
Variant type: single nucleotide variant.
Coding change: c.1173G>A on transcript NM_000141.5 (MANE Select); coding-DNA position 1173, G replaced by A.
Protein change: p.Met391Ile; replaces methionine 391 with isoleucine.
Molecular consequence: missense variant. On other transcripts: non-coding transcript variant (1), intron variant (1).
Genome position (GRCh38, 1-based): chr10:121,515,231, C>T on the plus strand (G>A on the coding strand, the complement: FGFR2 is on the minus strand). VCF-style: chr10-121515231-C-T. GRCh37 (hg19) VCF-style: chr10-123274745-C-T.
Other names: c.1176G>A, p.Met392Ile (NM_001144913.1, NM_022970.4); c.837G>A, p.Met279Ile (NM_001144914.1); c.906G>A, p.Met302Ile (NM_001144915.2, NM_023029.3); c.828G>A, p.Met276Ile (NM_001144916.2, NM_001144918.2); c.909G>A, p.Met303Ile (NM_001144919.2); c.489G>A, p.Met163Ile (NM_001320654.2); c.1173G>A, p.Met391Ile (NM_001320658.2); c.939+4748G>A (NM_001144917.2); short protein forms M163I, M276I, M279I, M302I, M303I, M391I, M392I.
Identifiers: ClinVar variation 1703393 (VCV001703393.2), dbSNP rs2134226665, ClinGen allele CA378327180.
Genomic context (GRCh38, chr10:121,515,231, plus strand): 5'-GCTGCTGAAGTCTGGCTTCTTGGTCGTGTTCTTCATTCGGCACAGGATGACTGTTACCAC[C>T]ATACAGGCGATTAAGAAGACCCCTATGCAGTAAATGGCTATCTCCAGGTAGTCTGGGGAA-3'
Protein context (NP_000132.3, residues 381-401): YCIGVFLIAC[Met391Ile]VVTVILCRMK